The following is an entry in ClinVar:

ClinVar aggregate classification (germline): Uncertain significance. Review status: criteria provided, multiple submitters, no conflicts (2 of 4 stars). 4 submissions from 4 submitters: Uncertain significance (2). 2 of the submissions do not count toward it. Last evaluated 2023-11-27.

Conditions:
BBS10-related disorder. Also called: BBS10-related condition.
Bardet-Biedl syndrome (BBS). Identifiers: Orphanet 110, MedGen C0752166, MONDO:0015229.
Bardet-Biedl syndrome 10 (BBS10). Identifiers: Orphanet 110, MedGen C1859568, MONDO:0014438, OMIM 615987.
Inborn genetic diseases. Identifiers: MedGen C0950123, MeSH D030342.

Allele frequency attached by ClinVar (database versions not stated): gnomAD exomes below 0.00001 and 0.00001; ExAC 0.00001; TOPMed 0.00001.
gnomAD v4.1: 16 of 1,613,972 alleles (0.00099%); highest among the groups gnomAD compares: Admixed American, 0.023%; no homozygotes.

Submissions (4):

Labcorp Genetics (formerly Invitae), Labcorp
Classification: Uncertain significance for Bardet-Biedl syndrome. Last evaluated: 2023-11-27. Review status: criteria provided, single submitter. Criteria: Invitae Variant Classification Sherloc (09022015). Collection method: clinical testing. Allele origin: germline.
Comment: This sequence change replaces alanine, which is neutral and non-polar, with aspartic acid, which is acidic and polar, at codon 547 of the BBS10 protein (p.Ala547Asp). The frequency data for this variant in the population databases is considered unreliable, as metrics indicate poor data quality at this position in the gnomAD database. This variant has not been reported in the literature in individuals affected with BBS10-related conditions. ClinVar contains an entry for this variant (Variation ID: 857905). Advanced modeling of protein sequence and biophysical properties (such as structural, functional, and spatial information, amino acid conservation, physicochemical variation, residue mobility, and thermodynamic stability) performed at Invitae indicates that this missense variant is not expected to disrupt BBS10 protein function with a negative predictive value of 80%. In summary, the available evidence is currently insufficient to determine the role of this variant in disease. Therefore, it has been classified as a Variant of Uncertain Significance.

Ambry Genetics
Classification: Uncertain significance for Inborn genetic diseases. Last evaluated: 2021-09-17. Review status: criteria provided, single submitter. Criteria: Ambry Variant Classification Scheme 2023. Collection method: clinical testing. Allele origin: germline.

PreventionGenetics, part of Exact Sciences
Classification: Uncertain significance for BBS10-related condition. Last evaluated: 2024-08-05. Review status: no assertion criteria provided. Collection method: clinical testing. Allele origin: germline. Not counted in ClinVar's aggregate classification.
Comment: The BBS10 c.1640C>A variant is predicted to result in the amino acid substitution p.Ala547Asp. To our knowledge, this variant has not been reported in the literature. This variant is reported in 0.0029% of alleles in individuals of Latino descent in gnomAD. At this time, the clinical significance of this variant is uncertain due to the absence of conclusive functional and genetic evidence.

Natera, Inc.
Classification: Uncertain significance for Bardet-Biedl syndrome type 10. Last evaluated: 2020-07-15. Review status: no assertion criteria provided. Collection method: clinical testing. Allele origin: germline. Not counted in ClinVar's aggregate classification.

NM_024685.4(BBS10):c.1640C>A (p.Ala547Asp)

Gene: BBS10 (Bardet-Biedl syndrome 10; minus strand). Cytogenetic location: 12q21.2.
Variant type: single nucleotide variant.
Coding change: c.1640C>A on transcript NM_024685.4 (MANE Select); coding-DNA position 1640, C replaced by A.
Protein change: p.Ala547Asp; replaces alanine 547 with aspartic acid.
Molecular consequence: missense variant.
Genome position (GRCh38, 1-based): chr12:76,346,345, G>T on the plus strand (C>A on the coding strand, the complement: BBS10 is on the minus strand). VCF-style: chr12-76346345-G-T. GRCh37 (hg19) VCF-style: chr12-76740125-G-T.
Other names: short protein forms A547D.
Identifiers: ClinVar variation 857905 (VCV000857905.7), dbSNP rs770880993, ClinGen allele CA6694131.
Genomic context (GRCh38, chr12:76,346,345, plus strand): 5'-ATATTTGTGACCTGTAAATTTTCGTAAGAAATTTCTATTCTATTTCCCCTTGTTGAATAA[G>T]CAGTGGAATTGTTCTTGAGTAATGGTTCATAATAATCAGTTAGCCTGTTTCTTTCCAAAG-3'
Protein context (NP_078961.3, residues 537-557): YEPLLKNNST[Ala547Asp]YSTRGNRIEI